The following is an entry in ClinVar:

ClinVar aggregate classification (germline): Uncertain significance (1 of 4 stars; one submission).

Allele frequency attached by ClinVar (database versions not stated): ExAC 0.00001; gnomAD exomes 0.00001.
gnomAD v4.1: 3 of 1,604,046 alleles (0.00019%); no homozygotes.

Submission:

Labcorp Genetics (formerly Invitae), Labcorp
Classification: Uncertain significance. Last evaluated: 2022-01-21. Review status: criteria provided, single submitter. Criteria: Invitae Variant Classification Sherloc (09022015). Collection method: clinical testing. Allele origin: germline.
Comment: In summary, the available evidence is currently insufficient to determine the role of this variant in disease. Therefore, it has been classified as a Variant of Uncertain Significance. Algorithms developed to predict the effect of missense changes on protein structure and function are either unavailable or do not agree on the potential impact of this missense change (SIFT: "Deleterious"; PolyPhen-2: "Possibly Damaging"; Align-GVGD: "Class C0"). This variant has not been reported in the literature in individuals affected with AHDC1-related conditions. This variant is present in population databases (rs763881099, gnomAD 0.02%). This sequence change replaces serine, which is neutral and polar, with leucine, which is neutral and non-polar, at codon 952 of the AHDC1 protein (p.Ser952Leu).

NM_001371928.1(AHDC1):c.2855C>T (p.Ser952Leu)

Gene: AHDC1 (AT-hook DNA binding motif containing 1; minus strand). Cytogenetic location: 1p36.11.
Variant type: single nucleotide variant.
Coding change: c.2855C>T on transcript NM_001371928.1 (MANE Select); coding-DNA position 2855, C replaced by T.
Protein change: p.Ser952Leu; replaces serine 952 with leucine.
Molecular consequence: missense variant.
Genome position (GRCh38, 1-based): chr1:27,549,261, G>A on the plus strand (C>T on the coding strand, the complement: AHDC1 is on the minus strand). VCF-style: chr1-27549261-G-A. GRCh37 (hg19) VCF-style: chr1-27875772-G-A.
Other names: c.2855C>T, p.Ser952Leu (NM_001029882.3); short protein forms S952L.
Identifiers: ClinVar variation 2088798 (VCV002088798.4), dbSNP rs763881099, ClinGen allele CA715675.